The following is an entry in ClinVar:

NM_018972.4(GDAP1):c.485-18A>G

Gene: GDAP1 (ganglioside induced differentiation associated protein 1; plus strand). Cytogenetic location: 8q21.11.
Variant type: single nucleotide variant.
Coding change: c.485-18A>G on transcript NM_018972.4 (MANE Select); 18 bases into the intron before coding-DNA position 485, A replaced by G.
Molecular consequence: intron variant.
Genome position (GRCh38, 1-based): chr8:74,361,866, A>G. VCF-style: chr8-74361866-A-G. GRCh37 (hg19) VCF-style: chr8-75274101-A-G.
Other names: c.485-18A>G (NM_001362931.2); c.311-18A>G (NM_001362930.2); c.158-18A>G (NM_001362929.2, NM_001362932.2); c.281-18A>G (NM_001040875.4).
Identifiers: ClinVar variation 4855385 (VCV004855385.1).

ClinVar aggregate classification (germline): Uncertain significance (1 of 4 stars; one submission).

Conditions:
GDAP1-related disorder. Also called: GDAP1-related condition; GDAP1-related disorders.

gnomAD v4.1: 1 of 1,420,344 alleles (0.00007%); highest among the groups gnomAD compares: South Asian, 0.0011%; no homozygotes.

Submission:

3billion
Classification: Uncertain significance for GDAP1-related disorder. Last evaluated: 2026-01-19. Review status: criteria provided, single submitter. Criteria: ACMG Guidelines, 2015. Collection method: clinical testing. Allele origin: germline. Affected: yes.
Comment: The variant is observed at an extremely low frequency in the gnomAD v4.1.0 dataset (total allele frequency: <0.001%). Predicted Consequence/Location: Intron variant In silico tools predict the variant to alter splicing and produce an abnormal transcript [SpliceAI: 0.61 (>=0.2, moderate evidence for spliceogenicity)]. Therefore, this variant is classified as VUS according to the recommendation of ACMG/AMP guideline.